The following is an entry in ClinVar:

NM_001256789.3(CACNA1F):c.1750C>T (p.Arg584Cys)

Gene: CACNA1F (calcium voltage-gated channel subunit alpha1 F; minus strand). Cytogenetic location: Xp11.23.
Variant type: single nucleotide variant.
Coding change: c.1750C>T on transcript NM_001256789.3 (MANE Select); coding-DNA position 1750, C replaced by T.
Protein change: p.Arg584Cys; replaces arginine 584 with cysteine.
Molecular consequence: missense variant.
Genome position (GRCh38, 1-based): chrX:49,224,888, G>A on the plus strand (C>T on the coding strand, the complement: CACNA1F is on the minus strand). VCF-style: chrX-49224888-G-A. GRCh37 (hg19) VCF-style: chrX-49081350-G-A.
Other names: c.1588C>T, p.Arg530Cys (NM_001256790.3); c.1783C>T, p.Arg595Cys (NM_005183.4); short protein forms R530C, R595C, R584C.
Identifiers: ClinVar variation 1351556 (VCV001351556.6), dbSNP rs928731868, ClinGen allele CA329123002.

ClinVar aggregate classification (germline): Uncertain significance (1 of 4 stars; one submission).

Allele frequency attached by ClinVar (database versions not stated): gnomAD exomes below 0.00001 and 0.00002; TOPMed 0.00001.

Submission:

Labcorp Genetics (formerly Invitae), Labcorp
Classification: Uncertain significance. Last evaluated: 2023-10-13. Review status: criteria provided, single submitter. Criteria: Invitae Variant Classification Sherloc (09022015). Collection method: clinical testing. Allele origin: germline.
Comment: This sequence change replaces arginine, which is basic and polar, with cysteine, which is neutral and slightly polar, at codon 595 of the CACNA1F protein (p.Arg595Cys). The frequency data for this variant in the population databases is considered unreliable, as metrics indicate poor data quality at this position in the gnomAD database. This variant has not been reported in the literature in individuals affected with CACNA1F-related conditions. ClinVar contains an entry for this variant (Variation ID: 1351556). Advanced modeling of protein sequence and biophysical properties (such as structural, functional, and spatial information, amino acid conservation, physicochemical variation, residue mobility, and thermodynamic stability) performed at Invitae indicates that this missense variant is not expected to disrupt CACNA1F protein function. In summary, the available evidence is currently insufficient to determine the role of this variant in disease. Therefore, it has been classified as a Variant of Uncertain Significance.